The following is an entry in ClinVar:

NM_000059.4(BRCA2):c.1878A>C (p.Glu626Asp)

Gene: BRCA2 (BRCA2 DNA repair associated; plus strand). Cytogenetic location: 13q13.1.
Variant type: single nucleotide variant.
Coding change: c.1878A>C on transcript NM_000059.4 (MANE Select); coding-DNA position 1878, A replaced by C.
Protein change: p.Glu626Asp; replaces glutamic acid 626 with aspartic acid.
Molecular consequence: missense variant.
Genome position (GRCh38, 1-based): chr13:32,333,356, A>C. VCF-style: chr13-32333356-A-C. GRCh37 (hg19) VCF-style: chr13-32907493-A-C.
Other names: short protein forms E626D.
Identifiers: ClinVar variation 1371887 (VCV001371887.9), dbSNP rs2137475937, ClinGen allele CA387766636.

ClinVar aggregate classification (germline): Conflicting classifications of pathogenicity. Review status: criteria provided, conflicting classifications (1 of 4 stars). 2 submissions from 2 submitters: Uncertain significance (1); Likely benign (1). Last evaluated 2024-10-15.

Conditions:
Hereditary cancer-predisposing syndrome. Also called: Neoplastic Syndromes, Hereditary; Tumor predisposition; Hereditary neoplastic syndrome; Hereditary Cancer Syndrome. Identifiers: Orphanet 140162, MedGen C0027672, MeSH D009386, MONDO:0015356.
Hereditary breast ovarian cancer syndrome. Also called: BRCA1- and BRCA2-Associated Hereditary Breast and Ovarian Cancer; Hereditary breast and ovarian cancer; Hereditary breast and ovarian cancer syndrome; Hereditary breast and/or ovarian cancer syndrome; Hereditary breast and ovarian cancer syndrome (HBOC); Breast and ovarian cancer. Identifiers: Orphanet 145, MedGen C0677776, MeSH D061325, MONDO:0003582. Disease mechanism: loss of function.

Submissions (2):

Labcorp Genetics (formerly Invitae), Labcorp
Classification: Uncertain significance for Hereditary breast ovarian cancer syndrome. Last evaluated: 2024-10-15. Review status: criteria provided, single submitter. Criteria: Invitae Variant Classification Sherloc (09022015). Collection method: clinical testing. Allele origin: germline.
Comment: This sequence change replaces glutamic acid, which is acidic and polar, with aspartic acid, which is acidic and polar, at codon 626 of the BRCA2 protein (p.Glu626Asp). This variant is not present in population databases (gnomAD no frequency). This variant has not been reported in the literature in individuals affected with BRCA2-related conditions. ClinVar contains an entry for this variant (Variation ID: 1371887). Invitae Evidence Modeling of protein sequence and biophysical properties (such as structural, functional, and spatial information, amino acid conservation, physicochemical variation, residue mobility, and thermodynamic stability) indicates that this missense variant is not expected to disrupt BRCA2 protein function with a negative predictive value of 95%. In summary, the available evidence is currently insufficient to determine the role of this variant in disease. Therefore, it has been classified as a Variant of Uncertain Significance.

University of Washington Department of Laboratory Medicine, University of Washington
Classification: Likely benign for Hereditary cancer-predisposing syndrome. Last evaluated: 2023-03-23. Review status: criteria provided, single submitter. Criteria: Dines et al. (Genet Med. 2020). Collection method: curation. Allele origin: germline.
Comment: Missense variant in a coldspot region where missense variants are very unlikely to be pathogenic (PMID:31911673).

BRCA2 exon 10 coldspot. Reclassification based on statistical prior probability.